The following is an entry in ClinVar:

NM_014415.4(ZBTB11):c.760G>A (p.Ala254Thr)

Gene: ZBTB11 (zinc finger and BTB domain containing 11; minus strand). Cytogenetic location: 3q12.3.
Variant type: single nucleotide variant.
Coding change: c.760G>A on transcript NM_014415.4 (MANE Select); coding-DNA position 760, G replaced by A.
Protein change: p.Ala254Thr; replaces alanine 254 with threonine.
Molecular consequence: missense variant.
Genome position (GRCh38, 1-based): chr3:101,671,148, C>T on the plus strand (G>A on the coding strand, the complement: ZBTB11 is on the minus strand). VCF-style: chr3-101671148-C-T. GRCh37 (hg19) VCF-style: chr3-101389992-C-T.
Other names: short protein forms A254T.
Identifiers: ClinVar variation 2257449 (VCV002257449.3), dbSNP rs184261519, ClinGen allele CA2521319.

ClinVar aggregate classification (germline): Uncertain significance. Review status: criteria provided, multiple submitters, no conflicts (2 of 4 stars). 2 submissions from 2 submitters: Uncertain significance (2). Last evaluated 2023-02-22.

Allele frequency attached by ClinVar (database versions not stated): ExAC 0.00015; 1000 Genomes Project 30x 0.00016; 1000 Genomes Project 0.00020; gnomAD exomes 0.00021; gnomAD 0.00024; TOPMed 0.00054.
gnomAD v4.1: 345 of 1,614,022 alleles (0.021%); highest among the groups gnomAD compares: Admixed American, 0.053%; no homozygotes.

Submissions (2):

GeneDx
Classification: Uncertain significance. Last evaluated: 2023-02-22. Review status: criteria provided, single submitter. Criteria: GeneDx Variant Classification Process June 2021. Collection method: clinical testing. Allele origin: germline. Affected: yes.
Comment: In silico analysis supports that this missense variant does not alter protein structure/function; Has not been previously published as pathogenic or benign to our knowledge

Ambry Genetics
Classification: Uncertain significance. Last evaluated: 2021-07-15. Review status: criteria provided, single submitter. Criteria: Ambry Variant Classification Scheme 2023. Collection method: clinical testing. Allele origin: germline.